The following is an entry in ClinVar:

NM_177438.3(DICER1):c.367del (p.Glu123fs)

Gene: DICER1 (dicer 1, ribonuclease III; minus strand). Cytogenetic location: 14q32.13.
Variant type: Deletion.
Coding change: c.367del on transcript NM_177438.3 (MANE Select); coding-DNA position 367, one base deleted (G; older notation c.367delG).
Protein change: p.Glu123fs; shifts the reading frame from glutamic acid 123.
Molecular consequence: frameshift variant.
Genome position (GRCh38, 1-based): chr14:95,131,580, C deleted on the plus strand (G on the coding strand, the reverse complement: DICER1 is on the minus strand); the first of 4 consecutive C bases (chr14:95,131,580-95,131,583); deleting any one gives the same sequence. VCF-style (leftmost placement, unchanged base first): chr14-95131579-TC-T. GRCh37 (hg19) VCF-style: chr14-95597916-TC-T.
Other names: c.367del, p.Glu123fs (NM_001195573.1, NM_001271282.3, NM_001291628.2 and 1 more transcripts); short protein forms E123fs.
Identifiers: ClinVar variation 1073344 (VCV001073344.8), dbSNP rs2140279248, ClinGen allele CA2499222830.

ClinVar aggregate classification (germline): Pathogenic (1 of 4 stars; one submission).

Conditions:
DICER1-related tumor predisposition. Also called: DICER1 syndrome; DICER1-related pleuropulmonary blastoma cancer predisposition syndrome. Identifiers: Orphanet 284343, MedGen C3839822, MONDO:0100216.

Submission:

Labcorp Genetics (formerly Invitae), Labcorp
Classification: Pathogenic for DICER1-related tumor predisposition. Last evaluated: 2020-03-31. Review status: criteria provided, single submitter. Criteria: Invitae Variant Classification Sherloc (09022015). Collection method: clinical testing. Allele origin: germline.
Comment: For these reasons, this variant has been classified as Pathogenic. Loss-of-function variants in DICER1 are known to be pathogenic (PMID: 19556464, 21266384). This variant has not been reported in the literature in individuals with DICER1-related conditions. This variant is not present in population databases (ExAC no frequency). This sequence change creates a premature translational stop signal (p.Glu123Asnfs*5) in the DICER1 gene. It is expected to result in an absent or disrupted protein product.

Literature cited by the submitters: PubMed 19556464; PubMed 21266384.